The following is an entry in ClinVar:

ClinVar aggregate classification (germline): Uncertain significance (1 of 4 stars; one submission).

Conditions:
Distal myopathy with posterior leg and anterior hand involvement. Also called: WILLIAMS DISTAL MYOPATHY. Identifiers: Orphanet 63273, MedGen C3279722, MONDO:0013550, OMIM 614065.
Myofibrillar myopathy 5. Also called: Filaminopathy (type); FILAMINOPATHY, AUTOSOMAL DOMINANT. Identifiers: Orphanet 171445, MedGen C1836050, MONDO:0012289, OMIM 609524.
Hypertrophic cardiomyopathy 26. Also called: Cardiomyopathy, familial hypertrophic, 26. Identifiers: Orphanet 75249, MedGen C4310749, MONDO:0014883, OMIM 617047.

Submission:

Labcorp Genetics (formerly Invitae), Labcorp
Classification: Uncertain significance for Distal myopathy with posterior leg and anterior hand involvement; Myofibrillar myopathy 5; Hypertrophic cardiomyopathy 26. Last evaluated: 2025-06-11. Review status: criteria provided, single submitter. Criteria: Invitae Variant Classification Sherloc (09022015). Collection method: clinical testing. Allele origin: germline.
Comment: This sequence change replaces proline, which is neutral and non-polar, with serine, which is neutral and polar, at codon 2488 of the FLNC protein (p.Pro2488Ser). This variant is not present in population databases (gnomAD no frequency). This variant has not been reported in the literature in individuals affected with FLNC-related conditions. ClinVar contains an entry for this variant (Variation ID: 569715). Invitae Evidence Modeling of protein sequence and biophysical properties (such as structural, functional, and spatial information, amino acid conservation, physicochemical variation, residue mobility, and thermodynamic stability) indicates that this missense variant is not expected to disrupt FLNC protein function with a negative predictive value of 95%. In summary, the available evidence is currently insufficient to determine the role of this variant in disease. Therefore, it has been classified as a Variant of Uncertain Significance.

NM_001458.5(FLNC):c.7462C>T (p.Pro2488Ser)

Genes: FLNC-AS1 (FLNC antisense RNA 1; minus strand), FLNC (filamin C; plus strand). Cytogenetic location: 7q32.1.
Variant type: single nucleotide variant.
Coding change: c.7462C>T on transcript NM_001458.5 (MANE Select); coding-DNA position 7462, C replaced by T.
Protein change: p.Pro2488Ser; replaces proline 2488 with serine.
Molecular consequence: missense variant.
Genome position (GRCh38, 1-based): chr7:128,856,822, C>T. VCF-style: chr7-128856822-C-T. GRCh37 (hg19) VCF-style: chr7-128496876-C-T.
Other names: c.7363C>T, p.Pro2455Ser (NM_001127487.2); short protein forms P2488S, P2455S.
Identifiers: ClinVar variation 569715 (VCV000569715.9), dbSNP rs1563005191, ClinGen allele CA369218435.